The following is an entry in ClinVar:

NC_012920.1(MT-ND4):m.11969G>A

Gene: MT-ND4 (mitochondrially encoded NADH dehydrogenase 4; plus strand).
Variant type: single nucleotide variant.
Genome position: chrM-11969-G-A.
Identifiers: ClinVar variation 693392 (VCV000693392.1), dbSNP rs28359169, ClinGen allele CA337099359.

ClinVar aggregate classification (germline): Benign (1 of 4 stars; one submission).

Conditions:
Leigh syndrome (NULS). Also called: Leigh's necrotizing encephalopathy; Leigh's disease; Leigh Syndrome (mtDNA deletion); Leigh Disease; Subacute necrotizing encephalopathy; Necrotizing encephalopathy infantile subacute of Leigh. Identifiers: Orphanet 506, MedGen C2931891, MONDO:0009723, OMIM 256000.

Submission:

Wong Mito Lab, Molecular and Human Genetics, Baylor College of Medicine
Classification: Benign for Leigh syndrome. Last evaluated: 2019-10-17. Review status: criteria provided, single submitter. Criteria: Modified ACMG Guidelines (Unpublished). Collection method: clinical testing. Allele origin: germline.
Comment: The NC_012920.1:m.11969G>A (YP_003024035.1:p.Ala404Thr) variant in MTND4 gene is interpretated to be a Benign variant based on the modified ACMG guidelines (unpublished). This variant meets the following evidence codes: BA1